The following is an entry in ClinVar:

NM_001129.5(AEBP1):c.2131G>A (p.Gly711Arg)

Gene: AEBP1 (AE binding protein 1; plus strand). Cytogenetic location: 7p13.
Variant type: single nucleotide variant.
Coding change: c.2131G>A on transcript NM_001129.5 (MANE Select); coding-DNA position 2131, G replaced by A.
Protein change: p.Gly711Arg; replaces glycine 711 with arginine.
Molecular consequence: missense variant.
Genome position (GRCh38, 1-based): chr7:44,112,235, G>A. VCF-style: chr7-44112235-G-A. GRCh37 (hg19) VCF-style: chr7-44151834-G-A.
Other names: short protein forms G711R.
Identifiers: ClinVar variation 4848983 (VCV004848983.1).

ClinVar aggregate classification (germline): Uncertain significance (1 of 4 stars; one submission).

gnomAD v4.1: 21 of 1,607,936 alleles (0.0013%); highest among the groups gnomAD compares: Non-Finnish European, 0.0017%; no homozygotes.

Submission:

Women's Health and Genetics/Laboratory Corporation of America, LabCorp
Classification: Uncertain significance. Last evaluated: 2026-04-01. Review status: criteria provided, single submitter. Criteria: LabCorp Variant Classification Summary - May 2015. Collection method: clinical testing. Allele origin: germline.
Comment: Variant summary: AEBP1 c.2131G>A (p.Gly711Arg) results in a non-conservative amino acid change in the encoded protein sequence. Algorithms developed to predict the effect of missense changes on protein structure and function are either unavailable or do not agree on the potential impact of this missense change. The variant allele was found at a frequency of 8e-06 in 250080 control chromosomes. The available data on variant occurrences in the general population are insufficient to allow any conclusion about variant significance. To our knowledge, no occurrence of c.2131G>A in individuals affected with AEBP1-related conditions and no experimental evidence demonstrating its impact on protein function have been reported. No submitters have cited clinical-significance assessments for this variant to ClinVar. Based on the evidence outlined above, the variant was classified as uncertain significance.